The following is an entry in ClinVar:

NM_004281.4(BAG3):c.1151C>T (p.Pro384Leu)

Gene: BAG3 (BAG cochaperone 3; plus strand). Cytogenetic location: 10q26.11.
Variant type: single nucleotide variant.
Coding change: c.1151C>T on transcript NM_004281.4 (MANE Select); coding-DNA position 1151, C replaced by T.
Protein change: p.Pro384Leu; replaces proline 384 with leucine.
Molecular consequence: missense variant.
Genome position (GRCh38, 1-based): chr10:119,676,705, C>T. VCF-style: chr10-119676705-C-T. GRCh37 (hg19) VCF-style: chr10-121436217-C-T.
Other names: short protein forms P384L.
Identifiers: ClinVar variation 3753039 (VCV003753039.3).

ClinVar aggregate classification (germline): Uncertain significance. Review status: criteria provided, multiple submitters, no conflicts (2 of 4 stars). 2 submissions from 2 submitters: Uncertain significance (2). Last evaluated 2026-03-17.

Conditions:
Dilated cardiomyopathy 1HH (CMD1HH). Identifiers: Orphanet 154, MedGen C3151293, MONDO:0013479, OMIM 613881.
Myofibrillar myopathy 6. Identifiers: Orphanet 199340, MedGen C2751831, MONDO:0013061, OMIM 612954.

gnomAD v4.1: 2 of 1,614,056 alleles (0.00012%); highest among the groups gnomAD compares: African/African-American, 0.0013%; no homozygotes.

Submissions (2):

GeneDx
Classification: Uncertain significance. Last evaluated: 2026-03-17. Review status: criteria provided, single submitter. Criteria: GeneDx Variant Classification Process June 2021. Collection method: clinical testing. Allele origin: germline.
Comment: Not observed at significant frequency in large population cohorts (gnomAD); In silico analysis supports that this missense variant has a deleterious effect on protein structure/function; Has not been previously published as pathogenic or benign to our knowledge

Labcorp Genetics (formerly Invitae), Labcorp
Classification: Uncertain significance for Dilated cardiomyopathy 1HH; Myofibrillar myopathy 6. Last evaluated: 2024-05-06. Review status: criteria provided, single submitter. Criteria: Invitae Variant Classification Sherloc (09022015). Collection method: clinical testing. Allele origin: germline.
Comment: This sequence change replaces proline, which is neutral and non-polar, with leucine, which is neutral and non-polar, at codon 384 of the BAG3 protein (p.Pro384Leu). This variant is present in population databases (rs762045933, gnomAD 0.007%). This variant has not been reported in the literature in individuals affected with BAG3-related conditions. Advanced modeling of protein sequence and biophysical properties (such as structural, functional, and spatial information, amino acid conservation, physicochemical variation, residue mobility, and thermodynamic stability) performed at Invitae indicates that this missense variant is not expected to disrupt BAG3 protein function with a negative predictive value of 80%. In summary, the available evidence is currently insufficient to determine the role of this variant in disease. Therefore, it has been classified as a Variant of Uncertain Significance.